The following is an entry in ClinVar:

ClinVar aggregate classification (germline): Conflicting classifications of pathogenicity. Review status: criteria provided, conflicting classifications (1 of 4 stars). 10 submissions from 10 submitters: Pathogenic (2); Likely pathogenic (3); Uncertain significance (3). 2 of the submissions do not count toward it. Last evaluated 2025-09-07.

Conditions:
ACADM-related disorder. Also called: ACADM-related condition.
Medium-chain acyl-coenzyme A dehydrogenase deficiency (ACADMD). Also called: Medium chain acyl-CoA dehydrogenase deficiency; MCADD; CARNITINE DEFICIENCY SECONDARY TO MEDIUM-CHAIN ACYL-CoA DEHYDROGENASE DEFICIENCY; ACADM DEFICIENCY; MCADH DEFICIENCY; MCAD Deficiency. Identifiers: Orphanet 42, MedGen C0220710, MONDO:0008721, OMIM 201450.

Allele frequency attached by ClinVar (database versions not stated): TOPMed 0.00002; gnomAD 0.00004; ESP Exome Variant Server 0.00008.
gnomAD v4.1: 87 of 1,613,056 alleles (0.0054%); highest among the groups gnomAD compares: East Asian, 0.12%; no homozygotes.

Submissions (10):

Natera, Inc.
Classification: Likely pathogenic for Medium Chain Acyl-CoA Dehydrogenase Deficiency. Last evaluated: 2025-09-07. Review status: criteria provided, single submitter. Criteria: Natera Variant Classification Schema (03/2026). Collection method: clinical testing. Allele origin: germline.
Comment: The c.50G>A variant in ACADM is a missense variant predicted to cause substitution of arginine to histidine at amino acid 17. This variant is rare in the general population with a frequency below the threshold expected for the associated phenotype(s). This variant has been observed in one or more individuals affected with the associated recessive disease, as either homozygous or compound heterozygous with a second variant (PMID: 27856190). Multiple computational prediction algorithms suggest this variant is unlikely to affect gene or protein function. Given the available evidence, this variant is classified as Likely Pathogenic.

Labcorp Genetics (formerly Invitae), Labcorp
Classification: Uncertain significance for Medium-chain acyl-coenzyme A dehydrogenase deficiency. Last evaluated: 2025-01-22. Review status: criteria provided, single submitter. Criteria: Invitae Variant Classification Sherloc (09022015). Collection method: clinical testing. Allele origin: germline.
Comment: This sequence change replaces arginine, which is basic and polar, with histidine, which is basic and polar, at codon 17 of the ACADM protein (p.Arg17His). This variant is present in population databases (rs17848070, gnomAD 0.01%). This missense change has been observed in individual(s) with MCAD deficiency (PMID: 18450854, 19780764, 26947917, 27856190; internal data). ClinVar contains an entry for this variant (Variation ID: 226078). Invitae Evidence Modeling of protein sequence and biophysical properties (such as structural, functional, and spatial information, amino acid conservation, physicochemical variation, residue mobility, and thermodynamic stability) indicates that this missense variant is not expected to disrupt ACADM protein function with a negative predictive value of 95%. Experimental studies have shown that this missense change affects ACADM function (PMID: 27856190). In summary, the available evidence is currently insufficient to determine the role of this variant in disease. Therefore, it has been classified as a Variant of Uncertain Significance.

Baylor Genetics
Classification: Pathogenic for Medium-chain acyl-coenzyme A dehydrogenase deficiency. Last evaluated: 2024-02-15. Review status: criteria provided, single submitter. Criteria: ACMG Guidelines, 2015. Collection method: clinical testing. Allele origin: unknown.

GeneDx
Classification: Likely pathogenic. Last evaluated: 2024-01-23. Review status: criteria provided, single submitter. Criteria: GeneDx Variant Classification Process June 2021. Collection method: clinical testing. Allele origin: germline. Affected: yes.
Comment: Not observed at significant frequency in large population cohorts (gnomAD); In silico analysis supports that this missense variant does not alter protein structure/function; This variant is associated with the following publications: (PMID: 19780764, 27856190, 26947917)

MGZ Medical Genetics Center
Classification: Pathogenic for Medium-chain acyl-coenzyme A dehydrogenase deficiency. Last evaluated: 2022-08-19. Review status: criteria provided, single submitter. Criteria: ACMG Guidelines, 2015. Collection method: clinical testing. Allele origin: germline. Affected: yes. Observed: 1 variant allele.
Comment: ACMG criteria applied: PM3_VSTR, PS4_MOD, PS3_SUP, PM2_SUP

Fulgent Genetics
Classification: Uncertain significance for Medium-chain acyl-coenzyme A dehydrogenase deficiency. Last evaluated: 2021-07-07. Review status: criteria provided, single submitter. Criteria: ACMG Guidelines, 2015. Collection method: clinical testing. Allele origin: unknown.

ARUP Laboratories, Molecular Genetics and Genomics, ARUP Laboratories
Classification: Uncertain significance for Medium-chain acyl-coenzyme A dehydrogenase deficiency. Last evaluated: 2015-02-20. Review status: criteria provided, single submitter. Criteria: ACMG Guidelines, 2015. Collection method: clinical testing. Allele origin: germline. Inheritance: Autosomal recessive inheritance. Observed: 1 heterozygote.

Juno Genomics, Hangzhou Juno Genomics, Inc
Classification: Likely pathogenic for Medium-chain acyl-coenzyme A dehydrogenase deficiency. Review status: criteria provided, single submitter. Criteria: ACMG Guidelines, 2015. Collection method: clinical testing. Allele origin: germline.
Comment: For recessive disorders, detected in trans with a pathogenic variant.;Patient's phenotype or family history is highly specific for a disease with a single genetic etiology.

PreventionGenetics, part of Exact Sciences
Classification: Uncertain significance for ACADM-related condition. Last evaluated: 2024-07-26. Review status: no assertion criteria provided. Collection method: clinical testing. Allele origin: germline. Not counted in ClinVar's aggregate classification.
Comment: The ACADM c.50G>A variant is predicted to result in the amino acid substitution p.Arg17His. This variant has been reported in both the compound heterozygous state and homozygous state in newborn screen positive cases with suspected medium-chain acyl-CoA dehydrogenase deficiency (MCADD, Maier et al. 2009. PubMed ID: 19780764; Hara et al. 2015. PubMed ID: 26947917; Tajima et al. 2016. PubMed ID: 27856190). In vitro biochemical assays demonstrated conflicting results, with measured ACADM enzyme activity being ~70% in HEK293 cells (Hara et al. 2015. PubMed ID: 26947917) and ~25% in lymphocytes from a newborn homozygous for this variant (Tajima et al. 2016. PubMed ID: 27856190). This variant is reported in 0.012% of alleles in individuals of African descent in gnomAD and has conflicting interpretations in ClinVar database ranging from uncertain to pathogenic. At this time, although we suspect this variant may be pathogenic, the clinical significance of this variant is uncertain due to the absence of conclusive functional and genetic evidence.

Developmental and Behavioral Pediatrics, First Affiliated Hospital of Jilin University
Classification: Likely pathogenic for Medium-chain acyl-coenzyme A dehydrogenase deficiency. Review status: no assertion criteria provided. Collection method: clinical testing. Allele origin: paternal. Not counted in ClinVar's aggregate classification.

Literature cited by the submitters: PubMed 27856190 (cited by Natera, Inc. and Labcorp Genetics (formerly Invitae), Labcorp); PubMed 18450854 (cited by Labcorp Genetics (formerly Invitae), Labcorp); PubMed 19780764 (cited by Labcorp Genetics (formerly Invitae), Labcorp); PubMed 26947917 (cited by Labcorp Genetics (formerly Invitae), Labcorp).

NM_000016.6(ACADM):c.50G>A (p.Arg17His)

Gene: ACADM (acyl-CoA dehydrogenase medium chain; plus strand). Cytogenetic location: 1p31.1.
Variant type: single nucleotide variant.
Coding change: c.50G>A on transcript NM_000016.6 (MANE Select); coding-DNA position 50, G replaced by A.
Protein change: p.Arg17His; replaces arginine 17 with histidine.
Molecular consequence: missense variant. On other transcripts: intron variant (2).
Genome position (GRCh38, 1-based): chr1:75,728,420, G>A. VCF-style: chr1-75728420-G-A. GRCh37 (hg19) VCF-style: chr1-76194105-G-A.
Other names: c.50G>A (NM_000016.5); c.62G>A, p.Arg21His (NM_001127328.3); c.50G>A, p.Arg17His (NM_001286043.2); c.10+3603G>A (NM_001286042.2); c.-268+3603G>A (NM_001286044.2); short protein forms R17H, R21H.
Identifiers: ClinVar variation 226078 (VCV000226078.47), dbSNP rs17848070, ClinGen allele CA912933.